The following is an entry in ClinVar:

ClinVar aggregate classification (germline): Uncertain significance (1 of 4 stars; one submission).

Conditions:
Inborn genetic diseases. Identifiers: MedGen C0950123, MeSH D030342.

gnomAD v4.1: 1 of 1,614,140 alleles (0.000062%); highest among the groups gnomAD compares: Admixed American, 0.0017%; no homozygotes.

Submission:

Ambry Genetics
Classification: Uncertain significance for Inborn genetic diseases. Last evaluated: 2026-04-19. Review status: criteria provided, single submitter. Criteria: Ambry Variant Classification Scheme 2023. Collection method: clinical testing. Allele origin: germline.
Comment: The p.P711H variant (also known as c.2132C>A), located in coding exon 8 of the MECOM gene, results from a C to A substitution at nucleotide position 2132. The proline at codon 711 is replaced by histidine, an amino acid with similar properties. This amino acid position is conserved. In addition, this alteration is predicted to be tolerated by in silico analysis. Based on the available evidence, the clinical significance of this variant remains unclear.

NM_004991.4(MECOM):c.2132C>A (p.Pro711His)

Gene: MECOM (MDS1 and EVI1 complex locus; minus strand). Cytogenetic location: 3q26.2.
Variant type: single nucleotide variant.
Coding change: c.2132C>A on transcript NM_004991.4 (MANE Select); coding-DNA position 2132, C replaced by A.
Protein change: p.Pro711His; replaces proline 711 with histidine.
Molecular consequence: missense variant.
Genome position (GRCh38, 1-based): chr3:169,115,740, G>T on the plus strand (C>A on the coding strand, the complement: MECOM is on the minus strand). VCF-style: chr3-169115740-G-T. GRCh37 (hg19) VCF-style: chr3-168833528-G-T.
Other names: c.1568C>A, p.Pro523His (NM_001366471.2, NM_001366472.2, NM_005241.4 and 4 more transcripts); c.1160C>A, p.Pro387His (NM_001366473.2); c.596C>A, p.Pro199His (NM_001366474.2); c.1763C>A, p.Pro588His (NM_001105077.4); c.1571C>A, p.Pro524His (NM_001163999.2, NM_001366467.2, NM_001366468.2 and 1 more transcripts); c.2132C>A, p.Pro711His (NM_001366466.2); short protein forms P199H, P387H, P523H, P524H, P588H, P711H.
Identifiers: ClinVar variation 4859740 (VCV004859740.1).